The following is an entry in ClinVar:

ClinVar aggregate classification (germline): Benign. Review status: criteria provided, single submitter (1 of 4 stars). 2 submissions from 2 submitters: Benign (1). 1 of the submissions does not count toward it. Last evaluated 2025-06-24.

Conditions:
ITSN2-related disorder. Also called: ITSN2-related condition.

Allele frequency attached by ClinVar (database versions not stated): gnomAD exomes 0.00024; 1000 Genomes Project 0.00040; 1000 Genomes Project 30x 0.00047; gnomAD 0.00099; TOPMed 0.00118; ESP Exome Variant Server 0.00161.
gnomAD v4.1: 278 of 1,602,724 alleles (0.017%); highest among the groups gnomAD compares: African/African-American, 0.34%; no homozygotes.

Submissions (2):

Labcorp Genetics (formerly Invitae), Labcorp
Classification: Benign. Last evaluated: 2025-06-24. Review status: criteria provided, single submitter. Criteria: Invitae Variant Classification Sherloc (09022015). Collection method: clinical testing. Allele origin: germline.

PreventionGenetics, part of Exact Sciences
Classification: Likely benign for ITSN2-related condition. Last evaluated: 2019-08-12. Review status: no assertion criteria provided. Collection method: clinical testing. Allele origin: germline. Not counted in ClinVar's aggregate classification.
Comment: This variant is classified as likely benign based on ACMG/AMP sequence variant interpretation guidelines (Richards et al. 2015 PMID: 25741868, with internal and published modifications).

NM_006277.3(ITSN2):c.1467G>A (p.Lys489=)

Gene: ITSN2 (intersectin 2; minus strand). Cytogenetic location: 2p23.3.
Variant type: single nucleotide variant.
Coding change: c.1467G>A on transcript NM_006277.3 (MANE Select); coding-DNA position 1467, G replaced by A.
Protein change: p.Lys489=; no amino-acid change (lysine 489 retained).
Molecular consequence: synonymous variant.
Genome position (GRCh38, 1-based): chr2:24,298,692, C>T on the plus strand (G>A on the coding strand, the complement: ITSN2 is on the minus strand). VCF-style: chr2-24298692-C-T. GRCh37 (hg19) VCF-style: chr2-24521561-C-T.
Other names: c.1425G>A, p.Lys475= (NM_001348181.2, NM_001348184.2); c.1467G>A, p.Lys489= (NM_001348182.2, NM_001348183.2, NM_001348185.2 and 3 more transcripts); c.1467G>A (NM_006277.2).
Identifiers: ClinVar variation 739313 (VCV000739313.10), dbSNP rs141655958, ClinGen allele CA1551474.